The following is an entry in ClinVar:

ClinVar aggregate classification (germline): Pathogenic/Likely pathogenic. Review status: criteria provided, multiple submitters, no conflicts (2 of 4 stars). 2 submissions from 2 submitters: Pathogenic (1); Likely pathogenic (1). Last evaluated 2025-03-18.

Conditions:
Nemaline myopathy. Also called: Myopathies, Nemaline. Identifiers: Orphanet 607, MedGen C0206157, MONDO:0018958.
Nemaline myopathy 2 (NEM2). Also called: Nemaline myopathy 2, autosomal recessive. Identifiers: MedGen C1850569, MONDO:0009725, OMIM 256030.

gnomAD v4.1: 4 of 1,613,856 alleles (0.00025%); highest among the groups gnomAD compares: Non-Finnish European, 0.00034%; no homozygotes.

Submissions (2):

Broad Center for Mendelian Genomics, Broad Institute of MIT and Harvard
Classification: Likely pathogenic for Nemaline myopathy. Last evaluated: 2025-03-18. Review status: criteria provided, single submitter. Criteria: ACMG Guidelines, 2015. Collection method: curation. Allele origin: germline. Inheritance: Autosomal recessive inheritance.
Comment: The p.Gln1853Ter variant in NEB has not been previously reported in the literature in individuals with nemaline myopathy, but has been identified in 0.0003% (4/1179812) of European (non-Finnish) chromosomes by the Genome Aggregation Database (gnomAD; dbSNP ID: rs2154172676). Although this variant has been seen in the general population in a heterozygous state, its frequency is low enough to be consistent with a recessive carrier frequency. This variant has also been reported in ClinVar (Variation ID: 1429156) and has been interpreted as pathogenic by Invitae. This nonsense variant leads to a premature termination codon at position 1853, which is predicted to lead to a truncated or absent protein. Loss of function of the NEB gene is an established disease mechanism in autosomal recessive nemaline myopathy. In summary, although additional studies are required to fully establish its clinical significance, this variant is likely pathogenic for autosomal recessive nemaline myopathy. ACMG/AMP Criteria applied: PVS1, PM2_supporting (Richards 2015).

Labcorp Genetics (formerly Invitae), Labcorp
Classification: Pathogenic for Nemaline myopathy 2. Last evaluated: 2022-09-12. Review status: criteria provided, single submitter. Criteria: Invitae Variant Classification Sherloc (09022015). Collection method: clinical testing. Allele origin: germline.
Comment: For these reasons, this variant has been classified as Pathogenic. ClinVar contains an entry for this variant (Variation ID: 1429156). This variant has not been reported in the literature in individuals affected with NEB-related conditions. This variant is not present in population databases (gnomAD no frequency). This sequence change creates a premature translational stop signal (p.Gln1853*) in the NEB gene. It is expected to result in an absent or disrupted protein product. Loss-of-function variants in NEB are known to be pathogenic (PMID: 25205138).

Literature cited by the submitters: PubMed 25205138 (cited by Labcorp Genetics (formerly Invitae), Labcorp).

NM_001164508.2(NEB):c.5557C>T (p.Gln1853Ter)

Gene: NEB (nebulin; minus strand). Cytogenetic location: 2q23.3.
Variant type: single nucleotide variant.
Coding change: c.5557C>T on transcript NM_001164508.2 (MANE Select); coding-DNA position 5557, C replaced by T.
Protein change: p.Gln1853Ter; replaces glutamine 1853 with a stop codon.
Molecular consequence: nonsense.
Genome position (GRCh38, 1-based): chr2:151,663,754, G>A on the plus strand (C>T on the coding strand, the complement: NEB is on the minus strand). VCF-style: chr2-151663754-G-A. GRCh37 (hg19) VCF-style: chr2-152520268-G-A.
Other names: NM_001164508.2(NEB):c.5557C>T; p.Gln1853Ter; c.5557C>T, p.Gln1853Ter (NM_001164507.2, NM_001271208.2, NM_004543.5); short protein forms Q1853*.
Identifiers: ClinVar variation 1429156 (VCV001429156.7), dbSNP rs2154172676, ClinGen allele CA348808553.